The following is an entry in ClinVar:

NM_004706.4(ARHGEF1):c.1819C>T (p.Arg607Cys)

Gene: ARHGEF1 (Rho guanine nucleotide exchange factor 1; plus strand). Cytogenetic location: 19q13.2.
Variant type: single nucleotide variant.
Coding change: c.1819C>T on transcript NM_004706.4 (MANE Select); coding-DNA position 1819, C replaced by T.
Protein change: p.Arg607Cys; replaces arginine 607 with cysteine.
Molecular consequence: missense variant. On other transcripts: non-coding transcript variant (2).
Genome position (GRCh38, 1-based): chr19:41,903,387, C>T. VCF-style: chr19-41903387-C-T. GRCh37 (hg19) VCF-style: chr19-42407537-C-T.
Other names: c.1987C>T, p.Arg663Cys (NM_001396000.1); c.1720C>T, p.Arg574Cys (NM_001396002.1, NM_001396004.1, NM_198977.2); c.1819C>T, p.Arg607Cys (NM_001396003.1, NM_001396006.1); c.1864C>T, p.Arg622Cys (NM_199002.2); short protein forms R574C, R663C, R622C, R607C.
Identifiers: ClinVar variation 2895753 (VCV002895753.3), dbSNP rs782635350, ClinGen allele CA9466484.

ClinVar aggregate classification (germline): Uncertain significance (1 of 4 stars; one submission).

Allele frequency attached by ClinVar (database versions not stated): ExAC 0.00001; gnomAD 0.00001; TOPMed 0.00001.
gnomAD v4.1: 9 of 1,613,826 alleles (0.00056%); highest among the groups gnomAD compares: Admixed American, 0.0017%; no homozygotes.

Submission:

Labcorp Genetics (formerly Invitae), Labcorp
Classification: Uncertain significance. Last evaluated: 2024-02-18. Review status: criteria provided, single submitter. Criteria: Invitae Variant Classification Sherloc (09022015). Collection method: clinical testing. Allele origin: germline.
Comment: This sequence change replaces arginine, which is basic and polar, with cysteine, which is neutral and slightly polar, at codon 622 of the ARHGEF1 protein (p.Arg622Cys). The frequency data for this variant in the population databases is considered unreliable, as metrics indicate poor data quality at this position in the gnomAD database. This variant has not been reported in the literature in individuals affected with ARHGEF1-related conditions. An algorithm developed to predict the effect of missense changes on protein structure and function (PolyPhen-2) suggests that this variant is likely to be disruptive. In summary, the available evidence is currently insufficient to determine the role of this variant in disease. Therefore, it has been classified as a Variant of Uncertain Significance.